The following is an entry in ClinVar:

NC_000017.10:g.(?_41219605)_(41223275_?)del

Gene: BRCA1 (BRCA1 DNA repair associated; minus strand). Cytogenetic location: 17q21.31.
Variant type: Deletion.
Identifiers: ClinVar variation 2425735 (VCV002425735.6).

ClinVar aggregate classification (germline): Pathogenic (1 of 4 stars; one submission).

Conditions:
Hereditary breast ovarian cancer syndrome. Also called: Hereditary breast and ovarian cancer syndrome (HBOC); Breast and ovarian cancer; Hereditary breast and/or ovarian cancer syndrome; Hereditary breast and ovarian cancer; BRCA1- and BRCA2-Associated Hereditary Breast and Ovarian Cancer; Hereditary breast and ovarian cancer syndrome. Identifiers: Orphanet 145, MedGen C0677776, MeSH D061325, MONDO:0003582. Disease mechanism: loss of function.

Submission:

Labcorp Genetics (formerly Invitae), Labcorp
Classification: Pathogenic for Hereditary breast ovarian cancer syndrome. Last evaluated: 2022-10-31. Review status: criteria provided, single submitter. Criteria: Invitae Variant Classification Sherloc (09022015). Collection method: clinical testing. Allele origin: germline.
Comment: This variant is a gross deletion of the genomic region encompassing exon(s) 15-16 of the BRCA1 gene. This variant would be expected to be in-frame, preserving the integrity of the reading frame. A similar copy number variant has been observed in individual(s) with breast and/or ovarian cancer (PMID: 12203994, 18992264, 20232141, 22544547, 24825132). This variant is also known as a deletion of exons 16-17. Algorithms developed to predict the effect of variants on protein structure and function are not available or were not evaluated for this variant. Experimental studies have shown that a similar copy number variant affects BRCA1 function (PMID: 18992264). For these reasons, this variant has been classified as Pathogenic.

Literature cited by the submitters: PubMed 12203994; PubMed 18992264; PubMed 20232141; PubMed 22544547; PubMed 24825132.